The following is an entry in ClinVar:

ClinVar aggregate classification (germline): Uncertain significance (1 of 4 stars; one submission).

Conditions:
Inborn genetic diseases. Identifiers: MedGen C0950123, MeSH D030342.

Submission:

Ambry Genetics
Classification: Uncertain significance for Inborn genetic diseases. Last evaluated: 2025-11-25. Review status: criteria provided, single submitter. Criteria: Ambry Variant Classification Scheme 2023. Collection method: clinical testing. Allele origin: germline.
Comment: The p.V501L variant (also known as c.1501G>T), located in coding exon 9 of the RECQL4 gene, results from a G to T substitution at nucleotide position 1501. The valine at codon 501 is replaced by leucine, an amino acid with highly similar properties. This amino acid position is conserved. In addition, the in silico prediction for this alteration is inconclusive. Based on the available evidence, the clinical significance of this variant remains unclear.

NM_004260.4(RECQL4):c.1501G>T (p.Val501Leu)

Gene: RECQL4 (RecQ like helicase 4; minus strand). Cytogenetic location: 8q24.3.
Variant type: single nucleotide variant.
Coding change: c.1501G>T on transcript NM_004260.4 (MANE Select); coding-DNA position 1501, G replaced by T.
Protein change: p.Val501Leu; replaces valine 501 with leucine.
Molecular consequence: missense variant. On other transcripts: non-coding transcript variant (3), intron variant (2).
Genome position (GRCh38, 1-based): chr8:144,515,055, C>A on the plus strand (G>T on the coding strand, the complement: RECQL4 is on the minus strand). VCF-style: chr8-144515055-C-A. GRCh37 (hg19) VCF-style: chr8-145740439-C-A.
Other names: c.430G>T, p.Val144Leu (NM_001413028.1, NM_001413034.1, NM_001413035.1 and 7 more transcripts); c.1150G>T, p.Val384Leu (NM_001413029.1); c.364G>T, p.Val122Leu (NM_001413030.1, NM_001413031.1, NM_001413032.1 and 2 more transcripts); c.1501G>T, p.Val501Leu (NM_001413033.1, NM_001413036.1, NM_001413018.1 and 1 more transcripts); c.1405G>T, p.Val469Leu (NM_001413017.1, NM_001413020.1); c.1372G>T, p.Val458Leu (NM_001413025.1); c.34G>T, p.Val12Leu (NM_001413043.1); c.1484-13G>T (NM_001413039.1); and 1 more; short protein forms V384L, V501L, V12L, V458L, V469L, V122L, V144L.
Identifiers: ClinVar variation 4628982 (VCV004628982.1).
Genomic context (GRCh38, chr8:144,515,055, plus strand): 5'-GGCTGTAGAGCAGCGCTGGGAGCTGGTAGCACAGGGACTTGCCGGCACCTGTAGGCAGCA[C>A]CAGCAGCGTGGAGATGCCTGGATGGGGCGGGAGTCAGCAGCAGGGTTCTGCAGCCTGGCC-3'
Protein context (NP_004251.4, residues 491-511): RILSGISTLL[Val501Leu]LPTGAGKSLC